The following is an entry in ClinVar:

ClinVar aggregate classification (germline): Benign. Review status: criteria provided, multiple submitters, no conflicts (2 of 4 stars). 5 submissions from 5 submitters: Benign (5). Last evaluated 2026-01-31.

Conditions:
Congenital dyserythropoietic anemia, type II (CDAN2). Also called: DYSERYTHROPOIETIC ANEMIA, HEMPAS TYPE. Identifiers: Orphanet 98873, MedGen C1306589, MONDO:0009134, OMIM 224100.
Cowden syndrome 7 (CWS7). Identifiers: Orphanet 201, MedGen C4225179, MONDO:0014802, OMIM 616858.

Allele frequency attached by ClinVar (database versions not stated): gnomAD exomes 0.00066 and 0.00177; ExAC 0.00214; 1000 Genomes Project 0.00499; gnomAD 0.00677 and 0.00629; 1000 Genomes Project 30x 0.00453; ESP Exome Variant Server 0.00730; TOPMed 0.00739.
gnomAD v4.1: 1,968 of 1,614,226 alleles (0.12%); highest among the groups gnomAD compares: African/African-American, 2.3%; 34 homozygotes.

Submissions (5):

Labcorp Genetics (formerly Invitae), Labcorp
Classification: Benign for Congenital dyserythropoietic anemia, type II; Cowden syndrome 7. Last evaluated: 2026-01-31. Review status: criteria provided, single submitter. Criteria: Invitae Variant Classification Sherloc (09022015). Collection method: clinical testing. Allele origin: germline.

ARUP Laboratories, Molecular Genetics and Genomics, ARUP Laboratories
Classification: Benign. Last evaluated: 2024-07-15. Review status: criteria provided, single submitter. Criteria: ARUP Molecular Germline Variant Investigation Process 2024. Collection method: clinical testing. Allele origin: germline.

Mayo Clinic Laboratories, Mayo Clinic
Classification: Benign. Last evaluated: 2021-09-14. Review status: criteria provided, single submitter. Criteria: ACMG Guidelines, 2015. Collection method: clinical testing. Allele origin: germline. Observed: 15 variant alleles.

Illumina Laboratory Services, Illumina
Classification: Benign for Congenital dyserythropoietic anemia, type II. Last evaluated: 2018-01-13. Review status: criteria provided, single submitter. Criteria: ICSL Variant Classification Criteria 13 December 2019. Collection method: clinical testing. Allele origin: germline.
Comment: This variant was observed in the ICSL laboratory as part of a predisposition screen in an ostensibly healthy population. It had not been previously curated by ICSL or reported in the Human Gene Mutation Database (HGMD: prior to June 1st, 2018), and was therefore a candidate for classification through an automated scoring system. Utilizing variant allele frequency, disease prevalence and penetrance estimates, and inheritance mode, an automated score was calculated to assess if this variant is too frequent to cause the disease. Based on the score and internal cut-off values, a variant classified as benign is not then subjected to further curation. The score for this variant resulted in a classification of benign for this disease.

PreventionGenetics, part of Exact Sciences
Classification: Benign. Review status: criteria provided, single submitter. Criteria: ACMG Guidelines, 2015. Collection method: clinical testing. Allele origin: germline.

NM_006363.6(SEC23B):c.816T>C (p.Ile272=)

Gene: SEC23B (SEC23 homolog B, COPII component; plus strand). Cytogenetic location: 20p11.23.
Variant type: single nucleotide variant.
Coding change: c.816T>C on transcript NM_006363.6 (MANE Select); coding-DNA position 816, T replaced by C.
Protein change: p.Ile272=; no amino-acid change (isoleucine 272 retained).
Molecular consequence: synonymous variant.
Genome position (GRCh38, 1-based): chr20:18,525,914, T>C. VCF-style: chr20-18525914-T-C. GRCh37 (hg19) VCF-style: chr20-18506558-T-C.
Other names: p.Ile272=; c.816T>C, p.Ile272= (NM_001172745.3, NM_032985.6, NM_032986.5); c.762T>C, p.Ile254= (NM_001172746.3).
Identifiers: ClinVar variation 259967 (VCV000259967.26), dbSNP rs115177758, ClinGen allele CA9778129.